The following is an entry in ClinVar:

NM_052859.4(RFT1):c.1124A>G (p.Tyr375Cys)

Gene: RFT1 (RFT1 glycolipid translocator homolog; minus strand). Cytogenetic location: 3p21.1.
Variant type: single nucleotide variant.
Coding change: c.1124A>G on transcript NM_052859.4 (MANE Select); coding-DNA position 1124, A replaced by G.
Protein change: p.Tyr375Cys; replaces tyrosine 375 with cysteine.
Molecular consequence: missense variant.
Genome position (GRCh38, 1-based): chr3:53,099,465, T>C on the plus strand (A>G on the coding strand, the complement: RFT1 is on the minus strand). VCF-style: chr3-53099465-T-C. GRCh37 (hg19) VCF-style: chr3-53133481-T-C.
Other names: short protein forms Y375C.
Identifiers: ClinVar variation 1437117 (VCV001437117.5), dbSNP rs1701249101, ClinGen allele CA353228117.

ClinVar aggregate classification (germline): Uncertain significance (1 of 4 stars; one submission).

Conditions:
RFT1-congenital disorder of glycosylation (CDG1N). Also called: CDG In; Congenital disorder of glycosylation type In; RFT1-CDG. Identifiers: Orphanet 244310, MedGen C2677590, MONDO:0012783, OMIM 612015.

Allele frequency attached by ClinVar (database versions not stated): gnomAD exomes below 0.00001; TOPMed below 0.00001.
gnomAD v4.1: 1 of 1,613,598 alleles (0.000062%); highest among the groups gnomAD compares: Non-Finnish European, 0.000085%; no homozygotes.

Submission:

Labcorp Genetics (formerly Invitae), Labcorp
Classification: Uncertain significance for RFT1-congenital disorder of glycosylation. Last evaluated: 2024-10-30. Review status: criteria provided, single submitter. Criteria: Invitae Variant Classification Sherloc (09022015). Collection method: clinical testing. Allele origin: germline.
Comment: This sequence change replaces tyrosine, which is neutral and polar, with cysteine, which is neutral and slightly polar, at codon 375 of the RFT1 protein (p.Tyr375Cys). This variant is not present in population databases (gnomAD no frequency). This variant has not been reported in the literature in individuals affected with RFT1-related conditions. ClinVar contains an entry for this variant (Variation ID: 1437117). Invitae Evidence Modeling of protein sequence and biophysical properties (such as structural, functional, and spatial information, amino acid conservation, physicochemical variation, residue mobility, and thermodynamic stability) indicates that this missense variant is expected to disrupt RFT1 protein function with a positive predictive value of 80%. In summary, the available evidence is currently insufficient to determine the role of this variant in disease. Therefore, it has been classified as a Variant of Uncertain Significance.